The following is an entry in ClinVar:

ClinVar aggregate classification (germline): Likely benign. Review status: criteria provided, multiple submitters, no conflicts (2 of 4 stars). 3 submissions from 3 submitters: Likely benign (3). Last evaluated 2024-10-18.

Conditions:
ABCA4-related disorder. Also called: ABCA4-related condition; ABCA4-related disorders. Identifiers: MedGen CN239167.

Allele frequency attached by ClinVar (database versions not stated): ExAC 0.00001; gnomAD exomes 0.00001; TOPMed 0.00001.
gnomAD v4.1: 11 of 1,614,012 alleles (0.00068%); highest among the groups gnomAD compares: Admixed American, 0.01%; no homozygotes.

Submissions (3):

PreventionGenetics, part of Exact Sciences
Classification: Likely benign for ABCA4-related condition. Last evaluated: 2024-10-18. Review status: criteria provided, single submitter. Criteria: ACMG Guidelines, 2015. Collection method: clinical testing. Allele origin: germline.
Comment: This variant is classified as likely benign based on ACMG/AMP sequence variant interpretation guidelines (Richards et al. 2015 PMID: 25741868, with internal and published modifications).

Blueprint Genetics
Classification: Likely benign. Last evaluated: 2024-09-10. Review status: criteria provided, single submitter. Criteria: ACMG Guidelines, 2015. Collection method: clinical testing. Allele origin: germline.

Labcorp Genetics (formerly Invitae), Labcorp
Classification: Likely benign. Last evaluated: 2023-09-15. Review status: criteria provided, single submitter. Criteria: Invitae Variant Classification Sherloc (09022015). Collection method: clinical testing. Allele origin: germline.

NM_000350.3(ABCA4):c.6648G>A (p.Ala2216=)

Gene: ABCA4 (ATP binding cassette subfamily A member 4; minus strand). Cytogenetic location: 1p22.1.
Variant type: single nucleotide variant.
Coding change: c.6648G>A on transcript NM_000350.3 (MANE Select); coding-DNA position 6648, G replaced by A.
Protein change: p.Ala2216=; no amino-acid change (alanine 2216 retained).
Molecular consequence: synonymous variant.
Genome position (GRCh38, 1-based): chr1:93,997,942, C>T on the plus strand (G>A on the coding strand, the complement: ABCA4 is on the minus strand). VCF-style: chr1-93997942-C-T. GRCh37 (hg19) VCF-style: chr1-94463498-C-T.
Other names: c.6648G>A (NM_000350.2); c.6426G>A, p.Ala2142= (NM_001425324.1).
Identifiers: ClinVar variation 2081037 (VCV002081037.6), dbSNP rs779465743, ClinGen allele CA956835.